The following is an entry in ClinVar:

ClinVar aggregate classification (germline): Uncertain significance (1 of 4 stars; one submission).

Conditions:
Infantile-onset ascending hereditary spastic paralysis (IAHSP). Also called: Autosomal Recessive Juvenile Amyotrophic Lateral Sclerosis; Infantile-Onset Ascending Hereditary Spastic Paralysis (IAHSP). Identifiers: Orphanet 293168, MedGen C2931441, MONDO:0011797, OMIM 607225. Disease mechanism: loss of function.

Allele frequency attached by ClinVar (database versions not stated): TOPMed below 0.00001.

Submission:

Labcorp Genetics (formerly Invitae), Labcorp
Classification: Uncertain significance for Infantile-onset ascending hereditary spastic paralysis. Last evaluated: 2022-07-12. Review status: criteria provided, single submitter. Criteria: Invitae Variant Classification Sherloc (09022015). Collection method: clinical testing. Allele origin: germline.
Comment: ClinVar contains an entry for this variant (Variation ID: 843163). Algorithms developed to predict the effect of missense changes on protein structure and function are either unavailable or do not agree on the potential impact of this missense change (SIFT: "Deleterious"; PolyPhen-2: "Benign"; Align-GVGD: "Class C0"). In summary, the available evidence is currently insufficient to determine the role of this variant in disease. Therefore, it has been classified as a Variant of Uncertain Significance. This variant is not present in population databases (gnomAD no frequency). This variant has not been reported in the literature in individuals affected with ALS2-related conditions. This sequence change replaces glutamic acid, which is acidic and polar, with glycine, which is neutral and non-polar, at codon 1270 of the ALS2 protein (p.Glu1270Gly).

NM_020919.4(ALS2):c.3809A>G (p.Glu1270Gly)

Gene: ALS2 (alsin Rho guanine nucleotide exchange factor ALS2; minus strand). Cytogenetic location: 2q33.1.
Variant type: single nucleotide variant.
Coding change: c.3809A>G on transcript NM_020919.4 (MANE Select); coding-DNA position 3809, A replaced by G.
Protein change: p.Glu1270Gly; replaces glutamic acid 1270 with glycine.
Molecular consequence: missense variant.
Genome position (GRCh38, 1-based): chr2:201,718,104, T>C on the plus strand (A>G on the coding strand, the complement: ALS2 is on the minus strand). VCF-style: chr2-201718104-T-C. GRCh37 (hg19) VCF-style: chr2-202582827-T-C.
Other names: short protein forms E1270G.
Identifiers: ClinVar variation 843163 (VCV000843163.9), dbSNP rs891714775, ClinGen allele CA63932987.
Genomic context (GRCh38, chr2:201,718,104, plus strand): 5'-ATAATTAATCCAGAATTAACACTAGTTACTCACAAAACTTTAGGTCTGTCTTTATCACTC[T>C]CATATAGACTAGGTTTGAAGTAGGTTCCAGTGATTTTTATCCCAGATCCCCATTCTCCAC-3'
Protein context (NP_065970.2, residues 1260-1280): TGTYFKPSLY[Glu1270Gly]SDKDRPKVFR